The following is an entry in ClinVar:

ClinVar aggregate classification (germline): Benign/Likely benign. Review status: criteria provided, multiple submitters, no conflicts (2 of 4 stars). 3 submissions from 3 submitters: Benign (1); Likely benign (2). Last evaluated 2025-02-25.

Conditions:
POLD1-related polyposis and colorectal cancer syndrome (CRCS10). Also called: Colorectal cancer 10; COLORECTAL CANCER, SUSCEPTIBILITY TO, ON CHROMOSOME 19q; Colorectal cancer, susceptibility to, 10. Identifiers: Orphanet 220460, MedGen C2675481, MONDO:0012953, OMIM 612591.
Hereditary cancer-predisposing syndrome. Also called: Neoplastic Syndromes, Hereditary; Tumor predisposition; Hereditary Cancer Syndrome; Hereditary neoplastic syndrome. Identifiers: Orphanet 140162, MedGen C0027672, MeSH D009386, MONDO:0015356.

Submissions (3):

Labcorp Genetics (formerly Invitae), Labcorp
Classification: Likely benign for POLD1-related polyposis and colorectal cancer syndrome. Last evaluated: 2025-02-25. Review status: criteria provided, single submitter. Criteria: Invitae Variant Classification Sherloc (09022015). Collection method: clinical testing. Allele origin: germline.

Myriad Genetics, Inc.
Classification: Benign for POLD1-related polyposis and colorectal cancer syndrome. Last evaluated: 2025-02-06. Review status: criteria provided, single submitter. Criteria: Myriad Autosomal Dominant, Autosomal Recessive and X-Linked Classification Criteria (2023). Collection method: clinical testing. Allele origin: unknown.
Comment: This variant is considered benign. This variant is a silent/synonymous amino acid change and it is not expected to impact splicing.

Ambry Genetics
Classification: Likely benign for Hereditary cancer-predisposing syndrome. Last evaluated: 2019-05-16. Review status: criteria provided, single submitter. Criteria: Ambry Variant Classification Scheme 2023. Collection method: clinical testing. Allele origin: germline.

NM_002691.4(POLD1):c.1326C>T (p.Gly442=)

Gene: POLD1 (DNA polymerase delta 1, catalytic subunit; plus strand). Cytogenetic location: 19q13.33.
Variant type: single nucleotide variant.
Coding change: c.1326C>T on transcript NM_002691.4 (MANE Select); coding-DNA position 1326, C replaced by T.
Protein change: p.Gly442=; no amino-acid change (glycine 442 retained).
Molecular consequence: synonymous variant. On other transcripts: non-coding transcript variant (1).
Genome position (GRCh38, 1-based): chr19:50,406,265, C>T. VCF-style: chr19-50406265-C-T. GRCh37 (hg19) VCF-style: chr19-50909522-C-T.
Other names: c.1326C>T, p.Gly442= (NM_001256849.1, NM_001308632.1).
Identifiers: ClinVar variation 1449999 (VCV001449999.11), dbSNP rs2038875580, ClinGen allele CA508304713.